The following is an entry in ClinVar:

ClinVar aggregate classification (germline): Uncertain significance (1 of 4 stars; one submission).

gnomAD v4.1: 1 of 1,613,974 alleles (0.000062%); highest among the groups gnomAD compares: Non-Finnish European, 0.000085%; no homozygotes.

Submission:

Labcorp Genetics (formerly Invitae), Labcorp
Classification: Uncertain significance. Last evaluated: 2024-10-29. Review status: criteria provided, single submitter. Criteria: Invitae Variant Classification Sherloc (09022015). Collection method: clinical testing. Allele origin: germline.
Comment: This sequence change replaces proline, which is neutral and non-polar, with threonine, which is neutral and polar, at codon 444 of the ADGRV1 protein (p.Pro444Thr). This variant is not present in population databases (gnomAD no frequency). This variant has not been reported in the literature in individuals affected with ADGRV1-related conditions. ClinVar contains an entry for this variant (Variation ID: 1431822). Invitae Evidence Modeling of protein sequence and biophysical properties (such as structural, functional, and spatial information, amino acid conservation, physicochemical variation, residue mobility, and thermodynamic stability) indicates that this missense variant is not expected to disrupt ADGRV1 protein function with a negative predictive value of 95%. In summary, the available evidence is currently insufficient to determine the role of this variant in disease. Therefore, it has been classified as a Variant of Uncertain Significance.

NM_032119.4(ADGRV1):c.1330C>A (p.Pro444Thr)

Gene: ADGRV1 (adhesion G protein-coupled receptor V1; plus strand). Cytogenetic location: 5q14.3.
Variant type: single nucleotide variant.
Coding change: c.1330C>A on transcript NM_032119.4 (MANE Select); coding-DNA position 1330, C replaced by A.
Protein change: p.Pro444Thr; replaces proline 444 with threonine.
Molecular consequence: missense variant. On other transcripts: non-coding transcript variant (1).
Genome position (GRCh38, 1-based): chr5:90,628,653, C>A. VCF-style: chr5-90628653-C-A. GRCh37 (hg19) VCF-style: chr5-89924470-C-A.
Other names: short protein forms P444T.
Identifiers: ClinVar variation 1431822 (VCV001431822.6), dbSNP rs2149381376, ClinGen allele CA360372015.
Genomic context (GRCh38, chr5:90,628,653, plus strand): 5'-GGAACCCATGGGAATGTCTCTGCGAATTGGGTGTTGACACGGAACAGCACTGATCCCTCA[C>A]CAGTAACAGCAGATATCAGACCGAGCTCTGGAGTTCTCCATTTTGCACAAGGGCAGATGT-3'
Protein context (NP_115495.3, residues 434-454): VLTRNSTDPS[Pro444Thr]VTADIRPSSG